The following is an entry in ClinVar:

ClinVar aggregate classification (germline): Uncertain significance (1 of 4 stars; one submission).

Conditions:
Hypertrophic cardiomyopathy. Also called: HYPERTROPHIC MYOCARDIOPATHY. Identifiers: Orphanet 217569, MedGen C0007194, MeSH D002312, MONDO:0005045, HP:0001639.

Submission:

Labcorp Genetics (formerly Invitae), Labcorp
Classification: Uncertain significance for Hypertrophic cardiomyopathy. Last evaluated: 2022-07-22. Review status: criteria provided, single submitter. Criteria: Invitae Variant Classification Sherloc (09022015). Collection method: clinical testing. Allele origin: germline.
Comment: In summary, the available evidence is currently insufficient to determine the role of this variant in disease. Therefore, it has been classified as a Variant of Uncertain Significance. Algorithms developed to predict the effect of missense changes on protein structure and function are either unavailable or do not agree on the potential impact of this missense change (SIFT: "Deleterious"; PolyPhen-2: "Possibly Damaging"; Align-GVGD: "Class C0"). This variant has not been reported in the literature in individuals affected with MYL3-related conditions. This variant is not present in population databases (gnomAD no frequency). This sequence change replaces serine, which is neutral and polar, with phenylalanine, which is neutral and non-polar, at codon 122 of the MYL3 protein (p.Ser122Phe).

NM_000258.3(MYL3):c.365C>T (p.Ser122Phe)

Gene: MYL3 (myosin light chain 3; minus strand). Cytogenetic location: 3p21.31.
Variant type: single nucleotide variant.
Coding change: c.365C>T on transcript NM_000258.3 (MANE Select); coding-DNA position 365, C replaced by T.
Protein change: p.Ser122Phe; replaces serine 122 with phenylalanine.
Molecular consequence: missense variant.
Genome position (GRCh38, 1-based): chr3:46,859,591, G>A on the plus strand (C>T on the coding strand, the complement: MYL3 is on the minus strand). VCF-style: chr3-46859591-G-A. GRCh37 (hg19) VCF-style: chr3-46901081-G-A.
Other names: c.365C>T, p.Ser122Phe (NM_001406937.1, NM_001406938.1, NM_001406939.1); c.191C>T, p.Ser64Phe (NM_001406940.1, NM_001406941.1); short protein forms S122F, S64F.
Identifiers: ClinVar variation 1713377 (VCV001713377.6), dbSNP rs2544965322, ClinGen allele CA352496421.